The following is an entry in ClinVar:

NM_014516.4(CNOT3):c.113C>T (p.Ala38Val)

Gene: CNOT3 (CCR4-NOT transcription complex subunit 3; plus strand). Cytogenetic location: 19q13.42.
Variant type: single nucleotide variant.
Coding change: c.113C>T on transcript NM_014516.4 (MANE Select); coding-DNA position 113, C replaced by T.
Protein change: p.Ala38Val; replaces alanine 38 with valine.
Molecular consequence: missense variant.
Genome position (GRCh38, 1-based): chr19:54,143,461, C>T. VCF-style: chr19-54143461-C-T. GRCh37 (hg19) VCF-style: chr19-54647197-C-T.
Other names: short protein forms A38V.
Identifiers: ClinVar variation 3901908 (VCV003901908.1).

ClinVar aggregate classification (germline): Uncertain significance (1 of 4 stars; one submission).

Conditions:
Intellectual developmental disorder with speech delay, autism, and dysmorphic facies. Identifiers: MedGen C5231456, MONDO:0032864, OMIM 618672.

Submission:

Laboratorio de Genetica e Diagnostico Molecular, Hospital Israelita Albert Einstein
Classification: Uncertain significance for Intellectual developmental disorder with speech delay, autism, and dysmorphic facies. Last evaluated: 2025-01-10. Review status: criteria provided, single submitter. Criteria: ACMG Guidelines, 2015. Collection method: clinical testing. Allele origin: germline. Affected: yes.
Comment: ACMG classification criteria: PM2 supporting, PP2 supporting, BP4 supporting